The following is an entry in ClinVar:

NM_021930.6(RINT1):c.42+10C>T

Gene: RINT1 (RAD50 interactor 1; plus strand). Cytogenetic location: 7q22.3.
Variant type: single nucleotide variant.
Coding change: c.42+10C>T on transcript NM_021930.6 (MANE Select); 10 bases into the intron after coding-DNA position 42, C replaced by T.
Molecular consequence: intron variant.
Genome position (GRCh38, 1-based): chr7:105,532,367, C>T. VCF-style: chr7-105532367-C-T. GRCh37 (hg19) VCF-style: chr7-105172814-C-T.
Other names: c.-978+10C>T (NM_001346600.2); c.-881+10C>T (NM_001346601.2); c.-501+10C>T (NM_001346603.2); c.-56+10C>T (NM_001346599.2); c.42+10C>T (NM_021930.5).
Identifiers: ClinVar variation 697739 (VCV000697739.12), dbSNP rs376786488, ClinGen allele CA4426311.
Genomic context (GRCh38, chr7:105,532,367, plus strand): 5'-GGAGGCGAGATGCTACCAGCCGGCGAGATCGGCGCCTCTCCTGCAGCCCCGGTGAGACGG[C>T]CCTGGCGTCCCTGGGAGGGGACATTGGTGGCCCATTGAGGTGGCACAGACCTCCCGGGGG-3'

ClinVar aggregate classification (germline): Likely benign. Review status: criteria provided, multiple submitters, no conflicts (2 of 4 stars). 2 submissions from 2 submitters: Likely benign (2). Last evaluated 2026-02-03.

Conditions:
RINT1-related disorder. Also called: RINT1-related condition.

Allele frequency attached by ClinVar (database versions not stated): gnomAD exomes 0.00006; ExAC 0.00010; 1000 Genomes Project 30x 0.00016; gnomAD 0.00018 and 0.00019; TOPMed 0.00019; 1000 Genomes Project 0.00020; ESP Exome Variant Server 0.00031.
gnomAD v4.1: 55 of 1,599,282 alleles (0.0034%); highest among the groups gnomAD compares: African/African-American, 0.071%; 1 homozygote.

Submissions (2):

PreventionGenetics, part of Exact Sciences
Classification: Likely benign for RINT1-related condition. Last evaluated: 2026-02-03. Review status: criteria provided, single submitter. Criteria: ACMG Guidelines, 2015. Collection method: clinical testing. Allele origin: germline.
Comment: This variant is classified as likely benign based on ACMG/AMP sequence variant interpretation guidelines (Richards et al. 2015 PMID: 25741868, with internal and published modifications).

Labcorp Genetics (formerly Invitae), Labcorp
Classification: Likely benign. Last evaluated: 2025-11-10. Review status: criteria provided, single submitter. Criteria: Invitae Variant Classification Sherloc (09022015). Collection method: clinical testing. Allele origin: germline.